The following is an entry in ClinVar:

NM_004991.4(MECOM):c.1972G>A (p.Val658Met)

Gene: MECOM (MDS1 and EVI1 complex locus; minus strand). Cytogenetic location: 3q26.2.
Variant type: single nucleotide variant.
Coding change: c.1972G>A on transcript NM_004991.4 (MANE Select); coding-DNA position 1972, G replaced by A.
Protein change: p.Val658Met; replaces valine 658 with methionine.
Molecular consequence: missense variant. On other transcripts: intron variant (2).
Genome position (GRCh38, 1-based): chr3:169,115,900, C>T on the plus strand (G>A on the coding strand, the complement: MECOM is on the minus strand). VCF-style: chr3-169115900-C-T. GRCh37 (hg19) VCF-style: chr3-168833688-C-T.
Other names: c.1603G>A, p.Val535Met (NM_001105077.4); c.1408G>A, p.Val470Met (NM_001105078.4, NM_001164000.2, NM_001205194.2 and 4 more transcripts); c.1411G>A, p.Val471Met (NM_001163999.2, NM_001366467.2, NM_001366468.2 and 1 more transcripts); c.1972G>A, p.Val658Met (NM_001366466.2); c.1133-133G>A (NM_001366473.2); c.569-133G>A (NM_001366474.2); short protein forms V535M, V470M, V471M, V658M.
Identifiers: ClinVar variation 4735447 (VCV004735447.1).

ClinVar aggregate classification (germline): Uncertain significance (1 of 4 stars; one submission).

Submission:

Labcorp Genetics (formerly Invitae), Labcorp
Classification: Uncertain significance. Last evaluated: 2026-01-20. Review status: criteria provided, single submitter. Criteria: Invitae Variant Classification Sherloc (09022015). Collection method: clinical testing. Allele origin: germline.
Comment: This sequence change replaces valine, which is neutral and non-polar, with methionine, which is neutral and non-polar, at codon 470 of the MECOM protein (p.Val470Met). This variant is not present in population databases (gnomAD no frequency). This variant has not been reported in the literature in individuals affected with MECOM-related conditions. An algorithm developed to predict the effect of missense changes on protein structure and function (PolyPhen-2) suggests that this variant is likely to be disruptive. In summary, the available evidence is currently insufficient to determine the role of this variant in disease. Therefore, it has been classified as a Variant of Uncertain Significance.